The following is an entry in ClinVar:

NM_017654.4(SAMD9):c.3397T>C (p.Trp1133Arg)

Gene: SAMD9 (sterile alpha motif domain containing 9; minus strand). Cytogenetic location: 7q21.2.
Variant type: single nucleotide variant.
Coding change: c.3397T>C on transcript NM_017654.4 (MANE Select); coding-DNA position 3397, T replaced by C.
Protein change: p.Trp1133Arg; replaces tryptophan 1133 with arginine.
Molecular consequence: missense variant.
Genome position (GRCh38, 1-based): chr7:93,102,701, A>G on the plus strand (T>C on the coding strand, the complement: SAMD9 is on the minus strand). VCF-style: chr7-93102701-A-G. GRCh37 (hg19) VCF-style: chr7-92732014-A-G.
Other names: c.3397T>C, p.Trp1133Arg (NM_001193307.2); short protein forms W1133R.
Identifiers: ClinVar variation 3949498 (VCV003949498.1).

ClinVar aggregate classification (germline): Uncertain significance (1 of 4 stars; one submission).

Conditions:
Inborn genetic diseases. Identifiers: MedGen C0950123, MeSH D030342.

gnomAD v4.1: 1 of 1,613,802 alleles (0.000062%); highest among the groups gnomAD compares: South Asian, 0.0011%; no homozygotes.

Submission:

Ambry Genetics
Classification: Uncertain significance for Inborn genetic diseases. Last evaluated: 2025-03-31. Review status: criteria provided, single submitter. Criteria: Ambry Variant Classification Scheme 2023. Collection method: clinical testing. Allele origin: germline.
Comment: The p.W1133R variant (also known as c.3397T>C), located in coding exon 1 of the SAMD9 gene, results from a T to C substitution at nucleotide position 3397. The tryptophan at codon 1133 is replaced by arginine, an amino acid with dissimilar properties. This amino acid position is conserved. In addition, this alteration is predicted to be tolerated by in silico analysis. Based on the available evidence, the clinical significance of this variant remains unclear.